The following is an entry in ClinVar:

ClinVar aggregate classification (germline): Uncertain significance (1 of 4 stars; one submission).

Allele frequency attached by ClinVar (database versions not stated): TOPMed 0.00003; ExAC 0.00004; gnomAD exomes 0.00007 and 0.00016; gnomAD 0.00016 and 0.00018.

Submission:

Labcorp Genetics (formerly Invitae), Labcorp
Classification: Uncertain significance. Last evaluated: 2022-06-22. Review status: criteria provided, single submitter. Criteria: Invitae Variant Classification Sherloc (09022015). Collection method: clinical testing. Allele origin: germline.
Comment: This sequence change replaces leucine, which is neutral and non-polar, with phenylalanine, which is neutral and non-polar, at codon 5 of the TIMM50 protein (p.Leu5Phe). This variant is present in population databases (rs778639102, gnomAD 0.1%). This variant has not been reported in the literature in individuals affected with TIMM50-related conditions. Algorithms developed to predict the effect of missense changes on protein structure and function output the following: SIFT: "Not Available"; PolyPhen-2: "Possibly Damaging"; Align-GVGD: "Not Available". The phenylalanine amino acid residue is found in multiple mammalian species, which suggests that this missense change does not adversely affect protein function. In summary, the available evidence is currently insufficient to determine the role of this variant in disease. Therefore, it has been classified as a Variant of Uncertain Significance.

NC_000019.10:g.39480559A>C

Gene: TIMM50 (translocase of inner mitochondrial membrane 50; plus strand). Cytogenetic location: 19q13.2.
Variant type: single nucleotide variant.
Genome position: GRCh38 VCF-style: chr19-39480559-A-C. GRCh37 (hg19) VCF-style: chr19-39971199-A-C.
Identifiers: ClinVar variation 1522796 (VCV001522796.5), dbSNP rs778639102, ClinGen allele CA9431530.
Genomic context (GRCh38, chr19:39,480,559, plus strand): 5'-TGACTATTTTTTTGGACAAATCAGGCAGCCACTGACTCCCTTCATTATGGCCTCAGCTTT[A>C]TCTCTGGGCAATAAGTGTGATCCCTTCCTTCGCTGCGTCCTTTGCAGGGGCGGTGGCGCT-3'